The following is an entry in ClinVar:

ClinVar aggregate classification (germline): Uncertain significance (1 of 4 stars; one submission).

gnomAD v4.1: 8 of 1,613,930 alleles (0.0005%); highest among the groups gnomAD compares: African/African-American, 0.0053%; no homozygotes.

Submission:

Women's Health and Genetics/Laboratory Corporation of America, LabCorp
Classification: Uncertain significance. Last evaluated: 2026-06-11. Review status: criteria provided, single submitter. Criteria: LabCorp Variant Classification Summary - May 2015. Collection method: clinical testing. Allele origin: germline.
Comment: Variant summary: ARHGEF10 c.506G>A (p.Arg169His) results in a non-conservative amino acid change in the encoded protein sequence. Algorithms developed to predict the effect of missense changes on protein structure and function are either unavailable or do not agree on the potential impact of this missense change. The variant allele was found at a frequency of 4e-06 in 251474 control chromosomes. The available data on variant occurrences in the general population are insufficient to allow any conclusion about variant significance. To our knowledge, no occurrence of c.506G>A in individuals affected with ARHGEF10-related conditions and no experimental evidence demonstrating its impact on protein function have been reported. No submitters have cited clinical-significance assessments for this variant to ClinVar. Based on the evidence outlined above, the variant was classified as uncertain significance.

NM_014629.4(ARHGEF10):c.506G>A (p.Arg169His)

Gene: ARHGEF10 (Rho guanine nucleotide exchange factor 10; plus strand). Cytogenetic location: 8p23.3.
Variant type: single nucleotide variant.
Coding change: c.506G>A on transcript NM_014629.4 (MANE Select); coding-DNA position 506, G replaced by A.
Protein change: p.Arg169His; replaces arginine 169 with histidine.
Molecular consequence: missense variant.
Genome position (GRCh38, 1-based): chr8:1,864,397, G>A. VCF-style: chr8-1864397-G-A. GRCh37 (hg19) VCF-style: chr8-1812563-G-A.
Other names: c.509G>A, p.Arg170His (NM_001308152.2, NM_001308153.3, NM_001438091.1 and 2 more transcripts); c.506G>A, p.Arg169His (NM_001438093.1); short protein forms R169H, R170H, R194H.
Identifiers: ClinVar variation 4887345 (VCV004887345.1).
Genomic context (GRCh38, chr8:1,864,397, plus strand): 5'-GCGTAAAGCAGCATCACATATTTTCTTTCCCAGCAGAAACACCAGAAGTCACAGAAGATC[G>A]CCAGCCCAATTCTCTGAGTTCCGAGGAGCCTCCAACCAGGTATCTGCATCCGTCTTCCCA-3'
Protein context (NP_055444.2, residues 159-179): EEETPEVTED[Arg169His]QPNSLSSEEP